The following is an entry in ClinVar:

ClinVar aggregate classification (germline): Likely benign (1 of 4 stars; one submission).

Allele frequency attached by ClinVar (database versions not stated): ESP Exome Variant Server 0.00008; gnomAD 0.00019 and 0.00020; gnomAD exomes 0.00027 and 0.00143; 1000 Genomes Project 0.00040; TOPMed 0.00053; 1000 Genomes Project 30x 0.00062; ExAC 0.00109.
gnomAD v4.1: 416 of 1,606,798 alleles (0.026%); highest among the groups gnomAD compares: Admixed American, 0.68%; 3 homozygotes.

Submission:

GeneDx
Classification: Likely benign. Last evaluated: 2018-06-19. Review status: criteria provided, single submitter. Criteria: GeneDx Variant Classification (06012015). Collection method: clinical testing. Allele origin: germline. Affected: yes.
Comment: This variant is considered likely benign or benign based on one or more of the following criteria: it is a conservative change, it occurs at a poorly conserved position in the protein, it is predicted to be benign by multiple in silico algorithms, and/or has population frequency not consistent with disease.

NM_201384.3(PLEC):c.1041+31G>A

Genes: PLEC (plectin; minus strand), LOC130001336 (ATAC-STARR-seq lymphoblastoid active region 28077; plus strand). Cytogenetic location: 8q24.3.
Variant type: single nucleotide variant.
Coding change: c.1041+31G>A on transcript NM_201384.3 (MANE Select); 31 bases into the intron after coding-DNA position 1041, G replaced by A.
Molecular consequence: intron variant.
Genome position (GRCh38, 1-based): chr8:143,934,604, C>T on the plus strand (G>A on the coding strand, the complement: PLEC is on the minus strand). VCF-style: chr8-143934604-C-T. GRCh37 (hg19) VCF-style: chr8-145008772-C-T.
Other names: c.1122+31G>A (NM_000445.5); c.999+31G>A (NM_201378.4); c.975+31G>A (NM_201379.3); c.1452+31G>A (NM_201380.4); c.945+31G>A (NM_201381.3); c.1041+31G>A (NM_201382.4); c.1053+31G>A (NM_201383.3).
Identifiers: ClinVar variation 669876 (VCV000669876.1), dbSNP rs201233351, ClinGen allele CA4928206.